The following is an entry in ClinVar:

ClinVar aggregate classification (germline): Uncertain significance (1 of 4 stars; one submission).

Conditions:
Primary ciliary dyskinesia. Also called: Ciliary dyskinesia. Identifiers: Orphanet 244, MedGen C0008780, MONDO:0016575, HP:0012265.

Allele frequency attached by ClinVar (database versions not stated): ExAC 0.00001; TOPMed 0.00001; gnomAD exomes 0.00002.
gnomAD v4.1: 26 of 1,614,038 alleles (0.0016%); highest among the groups gnomAD compares: Non-Finnish European, 0.0021%; no homozygotes.

Submission:

Labcorp Genetics (formerly Invitae), Labcorp
Classification: Uncertain significance for Primary ciliary dyskinesia. Last evaluated: 2023-11-17. Review status: criteria provided, single submitter. Criteria: Invitae Variant Classification Sherloc (09022015). Collection method: clinical testing. Allele origin: germline.
Comment: This sequence change replaces valine, which is neutral and non-polar, with methionine, which is neutral and non-polar, at codon 269 of the DNAAF5 protein (p.Val269Met). This variant is present in population databases (rs775434599, gnomAD 0.0009%). This variant has not been reported in the literature in individuals affected with DNAAF5-related conditions. Advanced modeling of protein sequence and biophysical properties (such as structural, functional, and spatial information, amino acid conservation, physicochemical variation, residue mobility, and thermodynamic stability) performed at Invitae indicates that this missense variant is expected to disrupt DNAAF5 protein function with a positive predictive value of 80%. In summary, the available evidence is currently insufficient to determine the role of this variant in disease. Therefore, it has been classified as a Variant of Uncertain Significance.

NM_017802.4(DNAAF5):c.805G>A (p.Val269Met)

Gene: DNAAF5 (dynein axonemal assembly factor 5; plus strand). Cytogenetic location: 7p22.3.
Variant type: single nucleotide variant.
Coding change: c.805G>A on transcript NM_017802.4 (MANE Select); coding-DNA position 805, G replaced by A.
Protein change: p.Val269Met; replaces valine 269 with methionine.
Molecular consequence: missense variant. On other transcripts: non-coding transcript variant (1).
Genome position (GRCh38, 1-based): chr7:740,843, G>A. VCF-style: chr7-740843-G-A. GRCh37 (hg19) VCF-style: chr7-780480-G-A.
Other names: short protein forms V269M.
Identifiers: ClinVar variation 2696697 (VCV002696697.3), dbSNP rs775434599, ClinGen allele CA4110470.